The following is an entry in ClinVar:

ClinVar aggregate classification (germline): Conflicting classifications of pathogenicity. Review status: criteria provided, conflicting classifications (1 of 4 stars). 6 submissions from 4 submitters: Uncertain significance (4); Benign (1); Likely benign (1). Last evaluated 2025-10-12.

Conditions:
Oculodentodigital dysplasia (ODDD). Also called: ODD SYNDROME; Oculodentodigital syndrome. Identifiers: Orphanet 2710, MedGen C0812437, MONDO:0008111, OMIM 164200.
Syndactyly type 3 (SDTY3). Also called: SYNDACTYLY OF FINGERS IV AND V; RING AND LITTLE FINGER SYNDACTYLY. Identifiers: Orphanet 93404, MedGen C1861366, MONDO:0008514, OMIM 186100.
Hypoplastic left heart syndrome 1 (HLHS1). Identifiers: Orphanet 2248, MedGen C4551854, MONDO:0009433, OMIM 241550.
Oculodentodigital dysplasia, autosomal recessive. Also called: OCULODENTOOSSEOUS DYSPLASIA, AUTOSOMAL RECESSIVE; ODDD, AUTOSOMAL RECESSIVE; ODOD, AUTOSOMAL RECESSIVE. Identifiers: Orphanet 2710, MedGen C2749477, MONDO:0009768, OMIM 257850.
GJA1-related disorder. Also called: GJA1-related condition.

Allele frequency attached by ClinVar (database versions not stated): ExAC 0.00011; gnomAD exomes 0.00012 and 0.00026; TOPMed 0.00012; gnomAD 0.00013 and 0.00015; ESP Exome Variant Server 0.00031; 1000 Genomes Project 30x 0.00062; 1000 Genomes Project 0.00080.
gnomAD v4.1: 394 of 1,613,890 alleles (0.024%); highest among the groups gnomAD compares: Non-Finnish European, 0.031%; no homozygotes.

Submissions (6):

Labcorp Genetics (formerly Invitae), Labcorp
Classification: Likely benign for Oculodentodigital dysplasia, autosomal recessive. Last evaluated: 2025-10-12. Review status: criteria provided, single submitter. Criteria: Invitae Variant Classification Sherloc (09022015). Collection method: clinical testing. Allele origin: germline.

PreventionGenetics, part of Exact Sciences
Classification: Uncertain significance for GJA1-related condition. Last evaluated: 2025-09-10. Review status: criteria provided, single submitter. Criteria: ACMG Guidelines, 2015. Collection method: clinical testing. Allele origin: germline.
Comment: The GJA1 c.706G>A variant is predicted to result in the amino acid substitution p.Val236Ile. This variant was reported in an individual with Ventricular fibrillation (Chevalier et al. 2022. PubMed ID: 35942675). This variant is reported in 0.020% of alleles in individuals of African descent in gnomAD. At this time, the clinical significance of this variant is uncertain due to the absence of conclusive functional and genetic evidence.

GeneDx
Classification: Uncertain significance. Last evaluated: 2025-07-15. Review status: criteria provided, single submitter. Criteria: GeneDx Variant Classification Process June 2021. Collection method: clinical testing. Allele origin: germline. Affected: yes.
Comment: Reported in a patient with ST-elevation myocardial infarction in published literature (PMID: 35942675); Reported in a patient with myelomeningocele in published literature (PMID: 33574475); In silico analysis suggests that this missense variant does not alter protein structure/function; This variant is associated with the following publications: (PMID: 33574475, 35942675)

Illumina Laboratory Services, Illumina
Classification: Uncertain significance for Hypoplastic left heart syndrome 1. Last evaluated: 2017-04-28. Review status: criteria provided, single submitter. Criteria: ICSL Variant Classification Criteria 13 December 2019. Collection method: clinical testing. Allele origin: germline.

Illumina Laboratory Services, Illumina
Classification: Benign for Syndactyly type 3. Last evaluated: 2017-04-28. Review status: criteria provided, single submitter. Criteria: ICSL Variant Classification Criteria 13 December 2019. Collection method: clinical testing. Allele origin: germline.
Comment: This variant was observed as part of a predisposition screen in an ostensibly healthy population. A literature search was performed for the gene, cDNA change, and amino acid change (where applicable). No publications were found based on this search. Allele frequency data from public databases was too high to be consistent with this variant causing disease. Therefore, this variant is classified as benign.

Illumina Laboratory Services, Illumina
Classification: Uncertain significance for Oculodentodigital dysplasia. Last evaluated: 2017-04-28. Review status: criteria provided, single submitter. Criteria: ICSL Variant Classification Criteria 13 December 2019. Collection method: clinical testing. Allele origin: germline.
Comment: This variant was observed as part of a predisposition screen in an ostensibly healthy population. A literature search was performed for the gene, cDNA change, and amino acid change (where applicable). Publications were found based on this search. However, the evidence from the literature, in combination with allele frequency data from public databases where available, was not sufficient to rule this variant in or out of causing disease. Therefore, this variant is classified as a variant of unknown significance.

Literature cited by the submitters: PubMed 18079109 (cited by Illumina Laboratory Services, Illumina).

NM_000165.5(GJA1):c.706G>A (p.Val236Ile)

Gene: GJA1 (gap junction protein alpha 1; plus strand). Cytogenetic location: 6q22.31.
Variant type: single nucleotide variant.
Coding change: c.706G>A on transcript NM_000165.5 (MANE Select); coding-DNA position 706, G replaced by A.
Protein change: p.Val236Ile; replaces valine 236 with isoleucine.
Molecular consequence: missense variant.
Genome position (GRCh38, 1-based): chr6:121,447,553, G>A. VCF-style: chr6-121447553-G-A. GRCh37 (hg19) VCF-style: chr6-121768699-G-A.
Other names: c.706G>A (NM_000165.4); short protein forms V236I.
Identifiers: ClinVar variation 904919 (VCV000904919.17), dbSNP rs148384161, ClinGen allele CA3981725.